The following is an entry in ClinVar:

ClinVar aggregate classification (germline): Uncertain significance. Review status: criteria provided, multiple submitters, no conflicts (2 of 4 stars). 2 submissions from 2 submitters: Uncertain significance (2). Last evaluated 2024-11-15.

Conditions:
Catecholaminergic polymorphic ventricular tachycardia 1. Also called: VENTRICULAR TACHYCARDIA, STRESS-INDUCED POLYMORPHIC 1; VENTRICULAR TACHYCARDIA, CATECHOLAMINERGIC POLYMORPHIC, 1, WITH OR WITHOUT ATRIAL DYSFUNCTION AND/OR DILATED CARDIOMYOPATHY; RYR2-Related Catecholaminergic Polymorphic Ventricular Tachycardia. Identifiers: Orphanet 3286, MedGen C1631597, MONDO:0011484, OMIM 604772.

Submissions (2):

GeneDx
Classification: Uncertain significance. Last evaluated: 2024-11-15. Review status: criteria provided, single submitter. Criteria: GeneDx Variant Classification Process June 2021. Collection method: clinical testing. Allele origin: germline.
Comment: Identified in individual(s) with cardiomyopathy and/or arrhythmia in published literature (PMID: 26688388); Not observed at significant frequency in large population cohorts (gnomAD); In silico analysis indicates that this missense variant does not alter protein structure/function; This variant is associated with the following publications: (PMID: 26688388, 19926015)

Labcorp Genetics (formerly Invitae), Labcorp
Classification: Uncertain significance for Catecholaminergic polymorphic ventricular tachycardia 1. Last evaluated: 2019-11-27. Review status: criteria provided, single submitter. Criteria: Invitae Variant Classification Sherloc (09022015). Collection method: clinical testing. Allele origin: germline.
Comment: This variant is not present in population databases (ExAC no frequency). This sequence change replaces valine with isoleucine at codon 4778 of the RYR2 protein (p.Val4778Ile). The valine residue is highly conserved and there is a small physicochemical difference between valine and isoleucine. In summary, the available evidence is currently insufficient to determine the role of this variant in disease. Therefore, it has been classified as a Variant of Uncertain Significance. Algorithms developed to predict the effect of missense changes on protein structure and function are either unavailable or do not agree on the potential impact of this missense change (SIFT: "Deleterious"; PolyPhen-2: "Possibly Damaging"; Align-GVGD: "Class C0"). This variant has been observed in individual(s) affected with sudden cardiac death (PMID: 26688388).

Literature cited by the submitters: PubMed 26688388 (cited by Labcorp Genetics (formerly Invitae), Labcorp).

NM_001035.3(RYR2):c.14332G>A (p.Val4778Ile)

Gene: RYR2 (ryanodine receptor 2; plus strand). Cytogenetic location: 1q43.
Variant type: single nucleotide variant.
Coding change: c.14332G>A on transcript NM_001035.3 (MANE Select); coding-DNA position 14332, G replaced by A.
Protein change: p.Val4778Ile; replaces valine 4778 with isoleucine.
Molecular consequence: missense variant.
Genome position (GRCh38, 1-based): chr1:237,808,934, G>A. VCF-style: chr1-237808934-G-A. GRCh37 (hg19) VCF-style: chr1-237972234-G-A.
Other names: short protein forms V4778I.
Identifiers: ClinVar variation 834269 (VCV000834269.13), dbSNP rs1060500151, ClinGen allele CA345424147.